The following is an entry in ClinVar:

ClinVar aggregate classification (germline): Benign. Review status: criteria provided, multiple submitters, no conflicts (2 of 4 stars). 3 submissions from 3 submitters: Benign (3). Last evaluated 2022-10-01.

Conditions:
Emery-Dreifuss muscular dystrophy 5, autosomal dominant (EDMD5). Also called: EMERY-DREIFUSS MUSCULAR DYSTROPHY 5. Identifiers: Orphanet 261, MedGen C2751805, MONDO:0013072, OMIM 612999.

Allele frequency attached by ClinVar (database versions not stated): 1000 Genomes Project 0.00140; 1000 Genomes Project 30x 0.00141; TOPMed 0.00174.
gnomAD v4.1: 325 of 587,832 alleles (0.055%); highest among the groups gnomAD compares: African/African-American, 0.5%; 2 homozygotes.

Submissions (3):

CeGaT Center for Human Genetics Tuebingen
Classification: Benign. Last evaluated: 2022-10-01. Review status: criteria provided, single submitter. Criteria: CeGaT Center For Human Genetics Tuebingen Variant Classification Criteria Version 2. Collection method: clinical testing. Allele origin: germline. Affected: yes. Observed: 2 variant alleles.
Comment: SYNE2: BS1, BS2

Illumina Laboratory Services, Illumina
Classification: Benign for Emery-Dreifuss muscular dystrophy 5, autosomal dominant. Last evaluated: 2018-01-13. Review status: criteria provided, single submitter. Criteria: ICSL Variant Classification Criteria 13 December 2019. Collection method: clinical testing. Allele origin: germline.
Comment: This variant was observed in the ICSL laboratory as part of a predisposition screen in an ostensibly healthy population. It had not been previously curated by ICSL or reported in the Human Gene Mutation Database (HGMD: prior to June 1st, 2018), and was therefore a candidate for classification through an automated scoring system. Utilizing variant allele frequency, disease prevalence and penetrance estimates, and inheritance mode, an automated score was calculated to assess if this variant is too frequent to cause the disease. Based on the score and internal cut-off values, a variant classified as benign is not then subjected to further curation. The score for this variant resulted in a classification of benign for this disease.

Breakthrough Genomics
Classification: Benign. Review status: criteria provided, single submitter. Criteria: ACMG Guidelines, 2015. Collection method: not provided. Allele origin: germline. Inheritance: Autosomal dominant inheritance. Affected: yes.

NM_182914.3(SYNE2):c.*300G>A

Gene: SYNE2 (spectrin repeat containing nuclear envelope protein 2; plus strand). Cytogenetic location: 14q23.2.
Variant type: single nucleotide variant.
Coding change: c.*300G>A on transcript NM_182914.3 (MANE Select); 300 bases downstream of the stop codon, G replaced by A.
Molecular consequence: 3 prime UTR variant.
Genome position (GRCh38, 1-based): chr14:64,225,826, G>A. VCF-style: chr14-64225826-G-A. GRCh37 (hg19) VCF-style: chr14-64692544-G-A.
Other names: c.*300G>A (NM_015180.6, NM_182910.2, NM_182913.4).
Identifiers: ClinVar variation 880741 (VCV000880741.29), dbSNP rs79269713, ClinGen allele CA261837250.